The following is an entry in ClinVar:

NM_001082486.2(ACD):c.100-6C>A

Gene: ACD (ACD shelterin complex subunit and telomerase recruitment factor; minus strand). Cytogenetic location: 16q22.1.
Variant type: single nucleotide variant.
Coding change: c.100-6C>A on transcript NM_001082486.2 (MANE Select); 6 bases into the intron before coding-DNA position 100, C replaced by A.
Molecular consequence: intron variant.
Genome position (GRCh38, 1-based): chr16:67,660,051, G>T on the plus strand (C>A on the coding strand, the complement: ACD is on the minus strand). VCF-style: chr16-67660051-G-T. GRCh37 (hg19) VCF-style: chr16-67693954-G-T.
Other names: c.100-15C>A (NM_022914.3); c.100-6C>A (NM_001410884.1).
Identifiers: ClinVar variation 3672185 (VCV003672185.2).

ClinVar aggregate classification (germline): Uncertain significance (1 of 4 stars; one submission).

Conditions:
Dyskeratosis congenita, autosomal dominant 6 (DKCA6). Identifiers: Orphanet 3322, MedGen C4225284, MONDO:0014690, OMIM 616553.

Submission:

Labcorp Genetics (formerly Invitae), Labcorp
Classification: Uncertain significance for Dyskeratosis congenita, autosomal dominant 6. Last evaluated: 2025-01-28. Review status: criteria provided, single submitter. Criteria: Invitae Variant Classification Sherloc (09022015). Collection method: clinical testing. Allele origin: germline.
Comment: This sequence change falls in intron 1 of the ACD gene. It does not directly change the encoded amino acid sequence of the ACD protein. This variant is not present in population databases (gnomAD no frequency). This variant has not been reported in the literature in individuals affected with ACD-related conditions. Algorithms developed to predict the effect of sequence changes on RNA splicing suggest that this variant may disrupt the consensus splice site. In summary, the available evidence is currently insufficient to determine the role of this variant in disease. Therefore, it has been classified as a Variant of Uncertain Significance.